The following is an entry in ClinVar:

NM_007294.4(BRCA1):c.1082C>T (p.Ser361Leu)

Gene: BRCA1 (BRCA1 DNA repair associated; minus strand). Cytogenetic location: 17q21.31.
Variant type: single nucleotide variant.
Coding change: c.1082C>T on transcript NM_007294.4 (MANE Select); coding-DNA position 1082, C replaced by T.
Protein change: p.Ser361Leu; replaces serine 361 with leucine.
Molecular consequence: missense variant. On other transcripts: intron variant (137).
Genome position (GRCh38, 1-based): chr17:43,094,449, G>A on the plus strand (C>T on the coding strand, the complement: BRCA1 is on the minus strand). VCF-style: chr17-43094449-G-A. GRCh37 (hg19) VCF-style: chr17-41246466-G-A.
Other names: c.1082C>T, p.Ser361Leu (NM_001407625.1, NM_001407626.1, NM_001407639.1 and 30 more transcripts); c.1079C>T, p.Ser360Leu (NM_001407627.1, NM_001407628.1, NM_001407629.1 and 22 more transcripts); c.1073C>T, p.Ser358Leu (NM_001407646.1, NM_001407647.1); c.959C>T, p.Ser320Leu (NM_001407648.1, NM_001407664.1, NM_001407665.1 and 19 more transcripts); c.956C>T, p.Ser319Leu (NM_001407649.1, NM_001407670.1, NM_001407671.1 and 11 more transcripts); c.1004C>T, p.Ser335Leu (NM_001407653.1, NM_001407654.1, NM_001407655.1 and 4 more transcripts); c.1001C>T, p.Ser334Leu (NM_001407659.1, NM_001407660.1, NM_001407661.1 and 1 more transcripts); c.941C>T, p.Ser314Leu (NM_001407692.1, NM_001407694.1, NM_001407695.1 and 29 more transcripts); and 40 more; short protein forms S361L, S314L, S234L, S291L, S358L, S320L, S360L, S250L.
Identifiers: ClinVar variation 409299 (VCV000409299.12), dbSNP rs397508833, ClinGen allele CA10599895.

ClinVar aggregate classification (germline): Conflicting classifications of pathogenicity. Review status: criteria provided, conflicting classifications (1 of 4 stars). 2 submissions from 2 submitters: Uncertain significance (1); Likely benign (1). Last evaluated 2025-12-20.

Conditions:
Hereditary cancer-predisposing syndrome. Also called: Hereditary Cancer Syndrome; Hereditary neoplastic syndrome; Neoplastic Syndromes, Hereditary; Tumor predisposition. Identifiers: Orphanet 140162, MedGen C0027672, MeSH D009386, MONDO:0015356.
Hereditary breast ovarian cancer syndrome. Also called: BRCA1- and BRCA2-Associated Hereditary Breast and Ovarian Cancer; Hereditary breast and ovarian cancer syndrome (HBOC); Hereditary breast and ovarian cancer; Hereditary breast and ovarian cancer syndrome; Breast and ovarian cancer; Hereditary breast and/or ovarian cancer syndrome. Identifiers: Orphanet 145, MedGen C0677776, MeSH D061325, MONDO:0003582. Disease mechanism: loss of function.

Submissions (2):

Labcorp Genetics (formerly Invitae), Labcorp
Classification: Uncertain significance for Hereditary breast ovarian cancer syndrome. Last evaluated: 2025-12-20. Review status: criteria provided, single submitter. Criteria: Invitae Variant Classification Sherloc (09022015). Collection method: clinical testing. Allele origin: germline.
Comment: This sequence change replaces serine, which is neutral and polar, with leucine, which is neutral and non-polar, at codon 361 of the BRCA1 protein (p.Ser361Leu). This variant is not present in population databases (gnomAD no frequency). This variant has not been reported in the literature in individuals affected with BRCA1-related conditions. ClinVar contains an entry for this variant (Variation ID: 409299). Invitae Evidence Modeling of protein sequence and biophysical properties (such as structural, functional, and spatial information, amino acid conservation, physicochemical variation, residue mobility, and thermodynamic stability) indicates that this missense variant is not expected to disrupt BRCA1 protein function with a negative predictive value of 80%. In summary, the available evidence is currently insufficient to determine the role of this variant in disease. Therefore, it has been classified as a Variant of Uncertain Significance.

University of Washington Department of Laboratory Medicine, University of Washington
Classification: Likely benign for Hereditary cancer-predisposing syndrome. Last evaluated: 2023-03-23. Review status: criteria provided, single submitter. Criteria: Dines et al. (Genet Med. 2020). Collection method: curation. Allele origin: germline.
Comment: Missense variant in a coldspot region where missense variants are very unlikely to be pathogenic (PMID:31911673).

BRCA1 coldspot (exon 11 using historical exon numbering). Reclassification based on statistical prior probability